The following is an entry in ClinVar:

ClinVar aggregate classification (germline): Uncertain significance (1 of 4 stars; one submission).

Allele frequency attached by ClinVar (database versions not stated): gnomAD exomes below 0.00001.
gnomAD v4.1: 3 of 1,608,104 alleles (0.00019%); highest among the groups gnomAD compares: Non-Finnish European, 0.00026%; no homozygotes.

Submission:

GeneDx
Classification: Uncertain significance. Last evaluated: 2019-06-18. Review status: criteria provided, single submitter. Criteria: GeneDx Variant Classification Process June 2021. Collection method: clinical testing. Allele origin: germline. Affected: yes.
Comment: Has not been previously published as pathogenic or benign to our knowledge; In silico analysis, which includes protein predictors and evolutionary conservation, supports a deleterious effect

NM_001904.4(CTNNB1):c.937C>T (p.Leu313Phe)

Gene: CTNNB1 (catenin beta 1; plus strand). Cytogenetic location: 3p22.1.
Variant type: single nucleotide variant.
Coding change: c.937C>T on transcript NM_001904.4 (MANE Select); coding-DNA position 937, C replaced by T.
Protein change: p.Leu313Phe; replaces leucine 313 with phenylalanine.
Molecular consequence: missense variant.
Genome position (GRCh38, 1-based): chr3:41,227,208, C>T. VCF-style: chr3-41227208-C-T. GRCh37 (hg19) VCF-style: chr3-41268699-C-T.
Other names: c.937C>T, p.Leu313Phe (NM_001098209.2, NM_001098210.2); c.916C>T, p.Leu306Phe (NM_001330729.2); short protein forms L306F, L313F.
Identifiers: ClinVar variation 1316944 (VCV001316944.2), dbSNP rs1270698911, ClinGen allele CA352231244.